The following is an entry in ClinVar:

ClinVar aggregate classification (germline): Uncertain significance (1 of 4 stars; one submission).

gnomAD v4.1: 1 of 1,609,082 alleles (0.000062%); highest among the groups gnomAD compares: Non-Finnish European, 0.000085%; no homozygotes.

Submission:

Labcorp Genetics (formerly Invitae), Labcorp
Classification: Uncertain significance. Last evaluated: 2026-01-01. Review status: criteria provided, single submitter. Criteria: Invitae Variant Classification Sherloc (09022015). Collection method: clinical testing. Allele origin: germline.
Comment: This sequence change replaces phenylalanine, which is neutral and non-polar, with leucine, which is neutral and non-polar, at codon 207 of the SLC25A21 protein (p.Phe207Leu). This variant is not present in population databases (gnomAD no frequency). This variant has not been reported in the literature in individuals affected with SLC25A21-related conditions. Invitae Evidence Modeling of protein sequence and biophysical properties (such as structural, functional, and spatial information, amino acid conservation, physicochemical variation, residue mobility, and thermodynamic stability) indicates that this missense variant is not expected to disrupt SLC25A21 protein function with a negative predictive value of 80%. In summary, the available evidence is currently insufficient to determine the role of this variant in disease. Therefore, it has been classified as a Variant of Uncertain Significance.

NM_030631.4(SLC25A21):c.619T>C (p.Phe207Leu)

Gene: SLC25A21 (solute carrier family 25 member 21; minus strand). Cytogenetic location: 14q13.3.
Variant type: single nucleotide variant.
Coding change: c.619T>C on transcript NM_030631.4 (MANE Select); coding-DNA position 619, T replaced by C.
Protein change: p.Phe207Leu; replaces phenylalanine 207 with leucine.
Molecular consequence: missense variant.
Genome position (GRCh38, 1-based): chr14:36,684,910, A>G on the plus strand (T>C on the coding strand, the complement: SLC25A21 is on the minus strand). VCF-style: chr14-36684910-A-G. GRCh37 (hg19) VCF-style: chr14-37154115-A-G.
Other names: c.619T>C, p.Phe207Leu (NM_001171170.2); short protein forms F207L.
Identifiers: ClinVar variation 4699256 (VCV004699256.1).